The following is an entry in ClinVar:

NM_014762.4(DHCR24):c.*2084G>A

Gene: DHCR24 (24-dehydrocholesterol reductase; minus strand). Cytogenetic location: 1p32.3.
Variant type: single nucleotide variant.
Coding change: c.*2084G>A on transcript NM_014762.4 (MANE Select); 2084 bases downstream of the stop codon, G replaced by A.
Molecular consequence: 3 prime UTR variant.
Genome position (GRCh38, 1-based): chr1:54,850,149, C>T on the plus strand (G>A on the coding strand, the complement: DHCR24 is on the minus strand). VCF-style: chr1-54850149-C-T. GRCh37 (hg19) VCF-style: chr1-55315822-C-T.
Identifiers: ClinVar variation 876972 (VCV000876972.4), dbSNP rs74072034, ClinGen allele CA22779193.
Genomic context (GRCh38, chr1:54,850,149, plus strand): 5'-AAGATTTTACTGGAGCAACATAACCGGAGGGTGTGATTCCAAAATACCTTCCTTTCCAAG[C>T]CCCGGGTTGTGGATAAGGTCTGGATTTTGGTTATATGACTAAGGGCGACAGAGGCTGCTG-3'

ClinVar aggregate classification (germline): Likely benign (1 of 4 stars; one submission).

Conditions:
Desmosterolosis. Identifiers: Orphanet 35107, MedGen C1865596, MONDO:0011217, OMIM 602398.

Allele frequency attached by ClinVar (database versions not stated): gnomAD 0.00212 and 0.00226; TOPMed 0.00235; 1000 Genomes Project 30x 0.00250; 1000 Genomes Project 0.00280.

Submission:

Illumina Laboratory Services, Illumina
Classification: Likely benign for Desmosterolosis. Last evaluated: 2018-01-13. Review status: criteria provided, single submitter. Criteria: ICSL Variant Classification Criteria 13 December 2019. Collection method: clinical testing. Allele origin: germline.
Comment: This variant was observed in the ICSL laboratory as part of a predisposition screen in an ostensibly healthy population. It had not been previously curated by ICSL or reported in the Human Gene Mutation Database (HGMD: prior to June 1st, 2018), and was therefore a candidate for classification through an automated scoring system. Utilizing variant allele frequency, disease prevalence and penetrance estimates, and inheritance mode, an automated score was calculated to assess if this variant is too frequent to cause the disease. Based on the score and internal cut-off values, a variant classified as likely benign is not then subjected to further curation. The score for this variant resulted in a classification of likely benign for this disease.